The following is an entry in ClinVar:

NM_001382637.1(OTUD7A):c.2352_2365dup (p.Glu789fs)

Gene: OTUD7A (OTU deubiquitinase 7A; minus strand). Cytogenetic location: 15q13.3.
Variant type: Duplication.
Coding change: c.2352_2365dup on transcript NM_001382637.1 (MANE Select); coding-DNA positions 2352 to 2365, 14 bases duplicated (GGGCGCGCGGGACG).
Protein change: p.Glu789fs; shifts the reading frame from glutamic acid 789.
Molecular consequence: frameshift variant.
Genome position (GRCh38, 1-based): chr15:31,483,731-31,483,744, CGTCCCGCGCGCCC duplicated on the plus strand (GGGCGCGCGGGACG on the coding strand, the reverse complement: OTUD7A is on the minus strand). VCF-style (leftmost placement, unchanged base first): chr15-31483730-T-TCGTCCCGCGCGCCC. GRCh37 (hg19) VCF-style: chr15-31775933-T-TCGTCCCGCGCGCCC.
Other names: c.2331_2344dup, p.Glu782fs (NM_130901.3); short protein forms E782fs, E789fs.
Identifiers: ClinVar variation 2633351 (VCV002633351.2), dbSNP rs2504425756, ClinGen allele CA2695197237.

ClinVar aggregate classification (germline): Uncertain significance (1 of 4 stars; one submission).

Conditions:
OTUD7A-related disorder. Also called: OTUD7A-related condition.

Submission:

PreventionGenetics, part of Exact Sciences
Classification: Uncertain significance for OTUD7A-related condition. Last evaluated: 2023-03-30. Review status: criteria provided, single submitter. Criteria: ACMG Guidelines, 2015. Collection method: clinical testing. Allele origin: germline.
Comment: The OTUD7A c.2331_2344dup14 variant is predicted to result in a frameshift and protein elongation (p.Glu782Glyfs*203). To our knowledge, this variant has not been reported in the literature or in a large population database (gnomAD), indicating this variant is rare. At this time, the clinical significance of this variant is uncertain due to the absence of conclusive functional and genetic evidence.